The following is an entry in ClinVar:

ClinVar aggregate classification (germline): Uncertain significance (1 of 4 stars; one submission).

Conditions:
Glycogen storage disease, type II (IOPD). Also called: CARDIOMEGALIA GLYCOGENICA DIFFUSA; POMPE DISEASE, INFANTILE-ONSET; GLYCOGEN STORAGE DISEASE II, INFANTILE-ONSET; ACID ALPHA-GLUCOSIDASE DEFICIENCY, INFANTILE-ONSET; GAA DEFICIENCY, INFANTILE-ONSET; ACID MALTASE DEFICIENCY, INFANTILE-ONSET. Identifiers: Orphanet 365, MedGen C0017921, MONDO:0009290, OMIM 232300.

Submission:

Labcorp Genetics (formerly Invitae), Labcorp
Classification: Uncertain significance for Glycogen storage disease, type II. Last evaluated: 2024-12-30. Review status: criteria provided, single submitter. Criteria: Invitae Variant Classification Sherloc (09022015). Collection method: clinical testing. Allele origin: germline.
Comment: This sequence change replaces arginine, which is basic and polar, with threonine, which is neutral and polar, at codon 393 of the GAA protein (p.Arg393Thr). This variant is not present in population databases (gnomAD no frequency). This variant has not been reported in the literature in individuals affected with GAA-related conditions. ClinVar contains an entry for this variant (Variation ID: 2080309). Invitae Evidence Modeling of protein sequence and biophysical properties (such as structural, functional, and spatial information, amino acid conservation, physicochemical variation, residue mobility, and thermodynamic stability) indicates that this missense variant is not expected to disrupt GAA protein function with a negative predictive value of 95%. In summary, the available evidence is currently insufficient to determine the role of this variant in disease. Therefore, it has been classified as a Variant of Uncertain Significance.

NM_000152.5(GAA):c.1178G>C (p.Arg393Thr)

Gene: GAA (alpha glucosidase; plus strand). Cytogenetic location: 17q25.3.
Variant type: single nucleotide variant.
Coding change: c.1178G>C on transcript NM_000152.5 (MANE Select); coding-DNA position 1178, G replaced by C.
Protein change: p.Arg393Thr; replaces arginine 393 with threonine.
Molecular consequence: missense variant.
Genome position (GRCh38, 1-based): chr17:80,108,591, G>C. VCF-style: chr17-80108591-G-C. GRCh37 (hg19) VCF-style: chr17-78082390-G-C.
Other names: c.1178G>C, p.Arg393Thr (NM_001079803.3, NM_001079804.3, NM_001406741.1 and 1 more transcripts); short protein forms R393T.
Identifiers: ClinVar variation 2080309 (VCV002080309.3), dbSNP rs2039152735, ClinGen allele CA401365112.